The following is an entry in ClinVar:

ClinVar aggregate classification (germline): Uncertain significance. Review status: criteria provided, multiple submitters, no conflicts (2 of 4 stars). 4 submissions from 4 submitters: Uncertain significance (4). Last evaluated 2026-07-28.

Conditions:
RASopathy. Also called: Noonan spectrum disorder; rasopathies. Identifiers: Orphanet 536391, MedGen C5555857, MONDO:0021060.
Cardiovascular phenotype. Identifiers: MedGen CN230736.
CBL-related disorder. Also called: NOONAN SYNDROME-LIKE DISORDER WITHOUT JUVENILE MYELOMONOCYTIC LEUKEMIA; CBL MUTATION-ASSOCIATED SYNDROME; CBL SYNDROME. Identifiers: Orphanet 363972, MedGen C3150803, MONDO:0013308, OMIM 613563.

Allele frequency attached by ClinVar (database versions not stated): TOPMed 0.00001.
gnomAD v4.1: 3 of 1,614,204 alleles (0.00019%); highest among the groups gnomAD compares: East Asian, 0.0022%; no homozygotes.

Submissions (4):

PreventionGenetics, part of Exact Sciences
Classification: Uncertain significance for CBL-related condition. Last evaluated: 2026-07-28. Review status: criteria provided, single submitter. Criteria: ACMG Guidelines, 2015. Collection method: clinical testing. Allele origin: germline.
Comment: The CBL c.2381C>G variant is predicted to result in the amino acid substitution p.Ser794Cys. To our knowledge, this variant has not been reported in the literature. This variant is reported in 0.0054% of alleles in individuals of East Asian descent in gnomAD. At this time, the clinical significance of this variant is uncertain due to the absence of conclusive functional and genetic evidence.

Labcorp Genetics (formerly Invitae), Labcorp
Classification: Uncertain significance for RASopathy. Last evaluated: 2025-11-18. Review status: criteria provided, single submitter. Criteria: Invitae Variant Classification Sherloc (09022015). Collection method: clinical testing. Allele origin: germline.
Comment: This sequence change replaces serine, which is neutral and polar, with cysteine, which is neutral and slightly polar, at codon 794 of the CBL protein (p.Ser794Cys). This variant is present in population databases (no rsID available, gnomAD 0.006%). This variant has not been reported in the literature in individuals affected with CBL-related conditions. ClinVar contains an entry for this variant (Variation ID: 2145341). Invitae Evidence Modeling of protein sequence and biophysical properties (such as structural, functional, and spatial information, amino acid conservation, physicochemical variation, residue mobility, and thermodynamic stability) indicates that this missense variant is not expected to disrupt CBL protein function with a negative predictive value of 95%. In summary, the available evidence is currently insufficient to determine the role of this variant in disease. Therefore, it has been classified as a Variant of Uncertain Significance.

Women's Health and Genetics/Laboratory Corporation of America, LabCorp
Classification: Uncertain significance. Last evaluated: 2025-09-17. Review status: criteria provided, single submitter. Criteria: LabCorp Variant Classification Summary - May 2015. Collection method: clinical testing. Allele origin: germline.
Comment: Variant summary: CBL c.2381C>G (p.Ser794Cys) results in a non-conservative amino acid change in the encoded protein sequence. Algorithms developed to predict the effect of missense changes on protein structure and function are either unavailable or do not agree on the potential impact of this missense change. The variant allele was found at a frequency of 4e-06 in 251470 control chromosomes. The available data on variant occurrences in the general population are insufficient to allow any conclusion about variant significance. To our knowledge, no occurrence of c.2381C>G in individuals affected with CBL-related conditions and no experimental evidence demonstrating its impact on protein function have been reported. ClinVar contains an entry for this variant (Variation ID: 2145341). Based on the evidence outlined above, the variant was classified as uncertain significance.

Ambry Genetics
Classification: Uncertain significance for Cardiovascular phenotype. Last evaluated: 2024-11-23. Review status: criteria provided, single submitter. Criteria: Ambry Variant Classification Scheme 2023. Collection method: clinical testing. Allele origin: germline.
Comment: The p.S794C variant (also known as c.2381C>G), located in coding exon 15 of the CBL gene, results from a C to G substitution at nucleotide position 2381. The serine at codon 794 is replaced by cysteine, an amino acid with dissimilar properties. This amino acid position is conserved. In addition, the in silico prediction for this alteration is inconclusive. Based on the available evidence, the clinical significance of this variant remains unclear.

NM_005188.4(CBL):c.2381C>G (p.Ser794Cys)

Gene: CBL (Cbl proto-oncogene; plus strand). Cytogenetic location: 11q23.3.
Variant type: single nucleotide variant.
Coding change: c.2381C>G on transcript NM_005188.4 (MANE Select); coding-DNA position 2381, C replaced by G.
Protein change: p.Ser794Cys; replaces serine 794 with cysteine.
Molecular consequence: missense variant.
Genome position (GRCh38, 1-based): chr11:119,298,487, C>G. VCF-style: chr11-119298487-C-G. GRCh37 (hg19) VCF-style: chr11-119169197-C-G.
Other names: c.2381C>G (NM_005188.2); short protein forms S794C.
Identifiers: ClinVar variation 2145341 (VCV002145341.7), dbSNP rs201620100, ClinGen allele CA382929860.
Genomic context (GRCh38, chr11:119,298,487, plus strand): 5'-ATGATGTCCCAAAGCCACCTGTGCCGGCCGTGCTGGCCCGCCGAACTCTCTCAGATATCT[C>G]TAATGCCAGCTCCTCCTTTGGCTGGTTGTCTCTGGATGGTGATCCTACAACAAGTGAGTC-3'
Protein context (NP_005179.2, residues 784-804): VLARRTLSDI[Ser794Cys]NASSSFGWLS